The following is an entry in ClinVar:

ClinVar aggregate classification (germline): Uncertain significance (1 of 4 stars; one submission).

Conditions:
Familial cutaneous telangiectasia and oropharyngeal predisposition cancer syndrome. Identifiers: Orphanet 313846, MedGen C3281203, MONDO:0013806, OMIM 614564.

Submission:

Laboratorio de Genetica e Diagnostico Molecular, Hospital Israelita Albert Einstein
Classification: Uncertain significance for Familial cutaneous telangiectasia and oropharyngeal predisposition cancer syndrome. Last evaluated: 2022-09-23. Review status: criteria provided, single submitter. Criteria: ACMG Guidelines, 2015. Collection method: clinical testing. Allele origin: germline. Affected: yes. Observed: 1 variant allele.
Comment: ACMG classification criteria: PM2 moderated, PP2 supporting, BP4 supporting

NM_001184.4(ATR):c.2794C>A (p.Pro932Thr)

Gene: ATR (ATR checkpoint kinase; minus strand). Cytogenetic location: 3q23.
Variant type: single nucleotide variant.
Coding change: c.2794C>A on transcript NM_001184.4 (MANE Select); coding-DNA position 2794, C replaced by A.
Protein change: p.Pro932Thr; replaces proline 932 with threonine.
Molecular consequence: missense variant.
Genome position (GRCh38, 1-based): chr3:142,553,238, G>T on the plus strand (C>A on the coding strand, the complement: ATR is on the minus strand). VCF-style: chr3-142553238-G-T. GRCh37 (hg19) VCF-style: chr3-142272080-G-T.
Other names: c.2602C>A, p.Pro868Thr (NM_001354579.2); short protein forms P868T, P932T.
Identifiers: ClinVar variation 2431909 (VCV002431909.1), dbSNP rs2108462032, ClinGen allele CA354814165.
Genomic context (GRCh38, chr3:142,553,238, plus strand): 5'-TTAAAAAGTACTGCTGTTGCCTATAGTCCAGACAAACGCTGACTCTTACCTGACAGATGG[G>T]TTTCTTATACTGGCTGAAAAAACTTTGCAGTTTAACACTTTTAGCTGCAACCAGAGCTCT-3'
Protein context (NP_001175.2, residues 922-942): LQSFFSQYKK[Pro932Thr]ICQFLVESLH